The following is an entry in ClinVar:

NM_000038.6(APC):c.1579A>G (p.Arg527Gly)

Gene: APC (APC regulator of Wnt signaling pathway; plus strand). Cytogenetic location: 5q22.2.
Variant type: single nucleotide variant.
Coding change: c.1579A>G on transcript NM_000038.6 (MANE Select); coding-DNA position 1579, A replaced by G.
Protein change: p.Arg527Gly; replaces arginine 527 with glycine.
Molecular consequence: missense variant.
Genome position (GRCh38, 1-based): chr5:112,827,959, A>G. VCF-style: chr5-112827959-A-G. GRCh37 (hg19) VCF-style: chr5-112163656-A-G.
Other names: c.1579A>G, p.Arg527Gly (NM_001127510.3, NM_001354895.2); c.1525A>G, p.Arg509Gly (NM_001127511.3); c.1633A>G, p.Arg545Gly (NM_001354896.2); c.1609A>G, p.Arg537Gly (NM_001354897.2); c.1504A>G, p.Arg502Gly (NM_001354898.2); c.1495A>G, p.Arg499Gly (NM_001354899.2); c.1456A>G, p.Arg486Gly (NM_001354900.2); c.1402A>G, p.Arg468Gly (NM_001354901.2); and 5 more; short protein forms R509G, R527G, R426G, R468G, R486G, R499G, R545G, R244G.
Identifiers: ClinVar variation 633046 (VCV000633046.2), dbSNP rs751120046, ClinGen allele CA16024757.

ClinVar aggregate classification (germline): Uncertain significance. Review status: criteria provided, multiple submitters, no conflicts (2 of 4 stars). 2 submissions from 2 submitters: Uncertain significance (2). Last evaluated 2025-10-07.

Conditions:
Hereditary cancer-predisposing syndrome. Also called: Tumor predisposition; Neoplastic Syndromes, Hereditary; Hereditary neoplastic syndrome; Hereditary Cancer Syndrome. Identifiers: Orphanet 140162, MedGen C0027672, MeSH D009386, MONDO:0015356.

Submissions (2):

Ambry Genetics
Classification: Uncertain significance for Hereditary cancer-predisposing syndrome. Last evaluated: 2025-10-07. Review status: criteria provided, single submitter. Criteria: Ambry Variant Classification Scheme 2023. Collection method: clinical testing. Allele origin: germline.
Comment: The p.R527G variant (also known as c.1579A>G), located in coding exon 12 of the APC gene, results from an A to G substitution at nucleotide position 1579. The arginine at codon 527 is replaced by glycine, an amino acid with dissimilar properties. This amino acid position is highly conserved in available vertebrate species. In addition, in silico predictors for this gene do not accurately predict pathogenicity. Missense variants in APC are not a common cause of disease (Spier I et al. Genet Med. 2024 Feb;26(2):100992). Based on the available evidence, the clinical significance of this variant remains unclear.

Women's Health and Genetics/Laboratory Corporation of America, LabCorp
Classification: Uncertain significance. Last evaluated: 2018-09-14. Review status: criteria provided, single submitter. Criteria: LabCorp Variant Classification Summary - May 2015. Collection method: clinical testing. Allele origin: germline.
Comment: Variant summary: APC c.1579A>G (p.Arg527Gly) results in a non-conservative amino acid change located in the Armadillo repeat of the encoded protein sequence. Four of five in-silico tools predict a damaging effect of the variant on protein function. The variant was absent in 245648 control chromosomes. The available data on variant occurrences in the general population are insufficient to allow any conclusion about variant significance. To our knowledge, no occurrence of c.1579A>G in individuals affected with Familial Adenomatous Polyposis and no experimental evidence demonstrating its impact on protein function have been reported. No clinical diagnostic laboratories have submitted clinical-significance assessments for this variant to ClinVar after 2014. Based on the evidence outlined above, the variant was classified as uncertain significance.